The following is an entry in ClinVar:

NM_001349253.2(SCN11A):c.960-8A>G

Gene: SCN11A (sodium voltage-gated channel alpha subunit 11; minus strand). Cytogenetic location: 3p22.2.
Variant type: single nucleotide variant.
Coding change: c.960-8A>G on transcript NM_001349253.2 (MANE Select); 8 bases into the intron before coding-DNA position 960, A replaced by G.
Molecular consequence: intron variant.
Genome position (GRCh38, 1-based): chr3:38,910,215, T>C on the plus strand (A>G on the coding strand, the complement: SCN11A is on the minus strand). VCF-style: chr3-38910215-T-C. GRCh37 (hg19) VCF-style: chr3-38951706-T-C.
Other names: c.960-8A>G (NM_014139.3).
Identifiers: ClinVar variation 4791513 (VCV004791513.1).
Genomic context (GRCh38, chr3:38,910,215, plus strand): 5'-TATAGTCAGGATTAATTTTGGTGTGCTTACATTCATATTGTATGGAACAGGCACTAGATA[T>C]TGGAAACAAACAGAGAAATAATTATGTACGCCACAGCCAAGCTTCTTTTTCCTTCCAACG-3'

ClinVar aggregate classification (germline): Uncertain significance (1 of 4 stars; one submission).

Conditions:
Familial episodic pain syndrome with predominantly lower limb involvement. Also called: Episodic pain syndrome, familial, 3. Identifiers: Orphanet 391384, Orphanet 391392, MedGen C3809899, MONDO:0014247, OMIM 615552.
Hereditary sensory and autonomic neuropathy type 7. Also called: HSAN VII; Neuropathy, hereditary sensory and autonomic, type VII. Identifiers: Orphanet 391397, MedGen C3809882, MONDO:0014244, OMIM 615548.

gnomAD v4.1: 2 of 1,606,576 alleles (0.00012%); highest among the groups gnomAD compares: Non-Finnish European, 0.00017%; no homozygotes.

Submission:

Labcorp Genetics (formerly Invitae), Labcorp
Classification: Uncertain significance for Familial episodic pain syndrome with predominantly lower limb involvement; Hereditary sensory and autonomic neuropathy type 7. Last evaluated: 2025-05-26. Review status: criteria provided, single submitter. Criteria: Invitae Variant Classification Sherloc (09022015). Collection method: clinical testing. Allele origin: germline.
Comment: This sequence change falls in intron 7 of the SCN11A gene. It does not directly change the encoded amino acid sequence of the SCN11A protein. This variant is not present in population databases (gnomAD no frequency). This variant has not been reported in the literature in individuals affected with SCN11A-related conditions. Algorithms developed to predict the effect of sequence changes on RNA splicing suggest that this variant may disrupt the consensus splice site. In summary, the available evidence is currently insufficient to determine the role of this variant in disease. Therefore, it has been classified as a Variant of Uncertain Significance.